The following is an entry in ClinVar:

ClinVar aggregate classification (germline): Likely pathogenic (1 of 4 stars; one submission).

Conditions:
Perrault syndrome 4 (PRLTS4). Identifiers: Orphanet 2855, MedGen C3809105, MONDO:0014126, OMIM 615300.

Submission:

Institute of Rare Diseases, West China Hospital, Sichuan University
Classification: Likely pathogenic for Perrault syndrome 4. Last evaluated: 2025-01-09. Review status: criteria provided, single submitter. Criteria: ClinGen HL ACMG Specifications v1. Collection method: research. Allele origin: germline. Affected: yes.
Comment: PVS1;PM2_Supporting

NM_015340.4(LARS2):c.1334_1335del (p.Lys445fs)

Genes: LARS2 (leucyl-tRNA synthetase 2, mitochondrial; plus strand), LARS2-AS1 (LARS2 antisense RNA 1; minus strand). Cytogenetic location: 3p21.31.
Variant type: Deletion.
Coding change: c.1334_1335del on transcript NM_015340.4 (MANE Select); coding-DNA positions 1334 to 1335, 2 bases deleted (AA; older notation c.1334_1335delAA).
Protein change: p.Lys445fs; shifts the reading frame from lysine 445.
Molecular consequence: frameshift variant.
Genome position (GRCh38, 1-based): chr3:45,491,611-45,491,612, AA deleted; deleting any 2 consecutive bases within chr3:45,491,610-45,491,612 gives the same sequence; the c. name uses the placement nearest the transcript's 3' end. VCF-style (leftmost placement, unchanged base first): chr3-45491609-GAA-G. GRCh37 (hg19) VCF-style: chr3-45533101-GAA-G.
Other names: c.1334_1335del, p.Lys445fs (NM_001368263.1); short protein forms K445fs.
Identifiers: ClinVar variation 3601184 (VCV003601184.1).
Genomic context (GRCh38, chr3:45,491,609, plus strand): 5'-AGCCCTGACTCAGAAAGCCCGGGGGAAGAGAGTGGGTGGAGACGTGACAAGTGATAAACT[GAA>G]AGACTGGCTGATTTCACGGCAGCGGTACTGGGGCACACCAATCCCCATTGTCCACTGCCC-3'